The following is an entry in ClinVar:

NM_003072.5(SMARCA4):c.2251A>G (p.Asn751Asp)

Gene: SMARCA4 (SWI/SNF related BAF chromatin remodeling complex subunit ATPase 4; plus strand). Cytogenetic location: 19p13.2.
Variant type: single nucleotide variant.
Coding change: c.2251A>G on transcript NM_003072.5 (MANE Select); coding-DNA position 2251, A replaced by G.
Protein change: p.Asn751Asp; replaces asparagine 751 with aspartic acid.
Molecular consequence: missense variant. On other transcripts: non-coding transcript variant (1).
Genome position (GRCh38, 1-based): chr19:11,010,508, A>G. VCF-style: chr19-11010508-A-G. GRCh37 (hg19) VCF-style: chr19-11121184-A-G.
Other names: c.2251A>G, p.Asn751Asp (NM_001128844.3, NM_001128845.2, NM_001128846.2 and 6 more transcripts); short protein forms N751D.
Identifiers: ClinVar variation 1788435 (VCV001788435.3), dbSNP rs2146238443, ClinGen allele CA404052928.
Genomic context (GRCh38, chr19:11,010,508, plus strand): 5'-TACTATGCCGTGGCCCATGCTGTCACTGAGAGAGTGGACAAGCAGTCAGCGCTTATGGTC[A>G]ATGGTGTCCTCAAACAGTACCAGGTGAGGTAGGGGGTGGGGAGGCCACCGCCACGTAGCT-3'
Protein context (NP_003063.2, residues 741-761): RVDKQSALMV[Asn751Asp]GVLKQYQIKG

ClinVar aggregate classification (germline): Uncertain significance. Review status: criteria provided, multiple submitters, no conflicts (2 of 4 stars). 2 submissions from 2 submitters: Uncertain significance (2). Last evaluated 2025-08-03.

Conditions:
Hereditary cancer-predisposing syndrome. Also called: Neoplastic Syndromes, Hereditary; Tumor predisposition; Hereditary Cancer Syndrome; Hereditary neoplastic syndrome. Identifiers: Orphanet 140162, MedGen C0027672, MeSH D009386, MONDO:0015356.
Rhabdoid tumor predisposition syndrome 2 (RTPS2). Identifiers: Orphanet 231108, Orphanet 69077, MedGen C2750074, MONDO:0013224, OMIM 613325.

Submissions (2):

Labcorp Genetics (formerly Invitae), Labcorp
Classification: Uncertain significance for Rhabdoid tumor predisposition syndrome 2. Last evaluated: 2025-08-03. Review status: criteria provided, single submitter. Criteria: Invitae Variant Classification Sherloc (09022015). Collection method: clinical testing. Allele origin: germline.
Comment: This sequence change replaces asparagine, which is neutral and polar, with aspartic acid, which is acidic and polar, at codon 751 of the SMARCA4 protein (p.Asn751Asp). This variant is not present in population databases (gnomAD no frequency). This variant has not been reported in the literature in individuals affected with SMARCA4-related conditions. ClinVar contains an entry for this variant (Variation ID: 1788435). Invitae Evidence Modeling of protein sequence and biophysical properties (such as structural, functional, and spatial information, amino acid conservation, physicochemical variation, residue mobility, and thermodynamic stability) indicates that this missense variant is expected to disrupt SMARCA4 protein function with a positive predictive value of 95%. In summary, the available evidence is currently insufficient to determine the role of this variant in disease. Therefore, it has been classified as a Variant of Uncertain Significance.

Ambry Genetics
Classification: Uncertain significance for Hereditary cancer-predisposing syndrome. Last evaluated: 2020-06-17. Review status: criteria provided, single submitter. Criteria: Ambry Variant Classification Scheme 2023. Collection method: clinical testing. Allele origin: germline.
Comment: The p.N751D variant (also known as c.2251A>G), located in coding exon 14 of the SMARCA4 gene, results from an A to G substitution at nucleotide position 2251. The asparagine at codon 751 is replaced by aspartic acid, an amino acid with highly similar properties. This amino acid position is highly conserved in available vertebrate species. In addition, the in silico prediction for this alteration is inconclusive. Since supporting evidence is limited at this time, the clinical significance of this alteration remains unclear.